The following is an entry in ClinVar:

ClinVar aggregate classification (germline): Likely benign. Review status: criteria provided, multiple submitters, no conflicts (2 of 4 stars). 3 submissions from 3 submitters: Likely benign (2). 1 of the submissions does not count toward it. Last evaluated 2026-04-01.

Conditions:
SCAPER-related disorder. Also called: SCAPER-related condition.

Submissions (3):

CeGaT Center for Human Genetics Tuebingen
Classification: Likely benign. Last evaluated: 2026-04-01. Review status: criteria provided, single submitter. Criteria: CeGaT Center For Human Genetics Tuebingen Variant Classification Criteria Version 2. Collection method: clinical testing. Allele origin: germline. Affected: yes. Observed: 5 variant alleles.
Comment: SCAPER: BP4, BS2

Blueprint Genetics
Classification: Likely benign. Last evaluated: 2024-11-19. Review status: criteria provided, single submitter. Criteria: ACMG Guidelines, 2015. Collection method: clinical testing. Allele origin: germline.

PreventionGenetics, part of Exact Sciences
Classification: Likely benign for SCAPER-related condition. Last evaluated: 2019-12-09. Review status: no assertion criteria provided. Collection method: clinical testing. Allele origin: germline. Not counted in ClinVar's aggregate classification.
Comment: This variant is classified as likely benign based on ACMG/AMP sequence variant interpretation guidelines (Richards et al. 2015 PMID: 25741868, with internal and published modifications).

NM_020843.4(SCAPER):c.1867-5dup

Gene: SCAPER (S-phase cyclin A associated protein in the ER; minus strand). Cytogenetic location: 15q24.3.
Variant type: Duplication.
Coding change: c.1867-5dup on transcript NM_020843.4 (MANE Select); 5 bases into the intron before coding-DNA position 1867, one base duplicated (T; older notation c.1867-5dupT).
Molecular consequence: intron variant.
Genome position (GRCh38, 1-based): chr15:76,733,389, A duplicated on the plus strand (T on the coding strand, the reverse complement: SCAPER is on the minus strand); the first of 7 consecutive A bases (chr15:76,733,389-76,733,395); duplicating any one gives the same sequence. VCF-style (leftmost placement, unchanged base first): chr15-76733388-T-TA. GRCh37 (hg19) VCF-style: chr15-77025729-T-TA.
Other names: c.1885-5dupT (NM_001353009.1); c.1483-5dup (NM_001353011.2); c.1465-5dup (NM_001353012.2, NM_001353010.2); c.1885-5dup (NM_001353009.2); c.1129-5dup (NM_001145923.2).
Identifiers: ClinVar variation 1675581 (VCV001675581.35), dbSNP rs531306347, ClinGen allele CA7674838.